The following is an entry in ClinVar:

ClinVar aggregate classification (germline): Conflicting classifications of pathogenicity. Review status: criteria provided, conflicting classifications (1 of 4 stars). 12 submissions from 10 submitters: Uncertain significance (2); Benign (1); Likely benign (9). Last evaluated 2025-11-27.

Conditions:
Myosin storage myopathy (CMYO7A). Also called: MYOPATHY, HYALINE BODY, AUTOSOMAL DOMINANT; MYOPATHY WITH LYSIS OF TYPE I MYOFIBRILS; MYH7-related late-onset scapuloperoneal muscular dystrophy; Congenital myopathy 7A, myosin storage, autosomal dominant; SCAPULOPERONEAL MUSCULAR DYSTROPHY; SCAPULOPERONEAL SYNDROME, MYOPATHIC TYPE. Identifiers: Orphanet 437572, Orphanet 636965, MedGen C1842160, MONDO:0008409, OMIM 608358.
Cardiovascular phenotype. Identifiers: MedGen CN230736.
Cardiomyopathy (CMYO). Also called: Cardiomyopathies. Identifiers: Orphanet 167848, MedGen C0878544, MONDO:0004994, HP:0001638. Inheritance: Various modes of inheritance.
Hypertrophic cardiomyopathy 1 (CMH1). Also called: MYH7-Related Familial Hypertrophic Cardiomyopathy; Familial hypertrophic cardiomyopathy 1. Identifiers: MedGen C3495498, MONDO:0008647, OMIM 192600.
MYH7-related skeletal myopathy. Also called: Laing early-onset distal myopathy; Myopathy, distal, 1; MYOPATHY, DISTAL, EARLY-ONSET, AUTOSOMAL DOMINANT; MYOPATHY, LATE DISTAL HEREDITARY; Laing distal myopathy. Identifiers: Orphanet 59135, MedGen C4552004, MONDO:0008050, OMIM 160500.
Hypertrophic cardiomyopathy. Also called: HYPERTROPHIC MYOCARDIOPATHY. Identifiers: Orphanet 217569, MedGen C0007194, MeSH D002312, MONDO:0005045, HP:0001639.

Allele frequency attached by ClinVar (database versions not stated): gnomAD 0.00004 and 0.00005; TOPMed 0.00006; gnomAD exomes 0.00007; ExAC 0.00012; 1000 Genomes Project 30x 0.00016; 1000 Genomes Project 0.00020.
gnomAD v4.1: 119 of 1,614,192 alleles (0.0074%); highest among the groups gnomAD compares: Middle Eastern, 0.05%; no homozygotes.

Submissions (12):

Labcorp Genetics (formerly Invitae), Labcorp
Classification: Likely benign for Hypertrophic cardiomyopathy. Last evaluated: 2025-11-27. Review status: criteria provided, single submitter. Criteria: Invitae Variant Classification Sherloc (09022015). Collection method: clinical testing. Allele origin: germline.

Molecular Diagnostic Laboratory for Inherited Cardiovascular Disease, Montreal Heart Institute
Classification: Likely benign. Last evaluated: 2025-04-09. Review status: criteria provided, single submitter. Criteria: ACMG Guidelines, 2015. Collection method: clinical testing. Allele origin: germline. Affected: no.

Women's Health and Genetics/Laboratory Corporation of America, LabCorp
Classification: Likely benign. Last evaluated: 2025-02-10. Review status: criteria provided, single submitter. Criteria: LabCorp Variant Classification Summary - May 2015. Collection method: clinical testing. Allele origin: germline.

Blueprint Genetics
Classification: Likely benign. Last evaluated: 2024-09-23. Review status: criteria provided, single submitter. Criteria: ACMG Guidelines, 2015. Collection method: clinical testing. Allele origin: germline.

All of Us Research Program, National Institutes of Health
Classification: Likely benign for Cardiomyopathy. Last evaluated: 2024-01-11. Review status: criteria provided, single submitter. Criteria: ACMG Guidelines, 2015. Collection method: clinical testing. Allele origin: germline. Inheritance: Autosomal dominant inheritance. Observed: 8 variant alleles, 8 heterozygotes.
Comment: This study involves interpretation of variants in research participants for the purpose of population health screening. Participant phenotype was not available at the time of variant classification. Additional details can be found in publication PMID: 35346344, PMCID: PMC8962531

CeGaT Center for Human Genetics Tuebingen
Classification: Likely benign. Last evaluated: 2020-02-01. Review status: criteria provided, single submitter. Criteria: CeGaT Center For Human Genetics Tuebingen Variant Classification Criteria Version 2. Collection method: clinical testing. Allele origin: germline. Affected: yes. Observed: 2 variant alleles.

Ambry Genetics
Classification: Likely benign for Cardiovascular phenotype. Last evaluated: 2019-09-25. Review status: criteria provided, single submitter. Criteria: Ambry Variant Classification Scheme 2023. Collection method: clinical testing. Allele origin: germline.

Color Diagnostics, LLC DBA Color Health
Classification: Likely benign for Cardiomyopathy. Last evaluated: 2018-10-21. Review status: criteria provided, single submitter. Criteria: ACMG Guidelines, 2015. Collection method: clinical testing. Allele origin: germline.

Illumina Laboratory Services, Illumina
Classification: Benign for MYH7-related skeletal myopathy. Last evaluated: 2018-01-13. Review status: criteria provided, single submitter. Criteria: ICSL Variant Classification Criteria 13 December 2019. Collection method: clinical testing. Allele origin: germline.
Comment: This variant was observed in the ICSL laboratory as part of a predisposition screen in an ostensibly healthy population. It had not been previously curated by ICSL or reported in the Human Gene Mutation Database (HGMD: prior to June 1st, 2018), and was therefore a candidate for classification through an automated scoring system. Utilizing variant allele frequency, disease prevalence and penetrance estimates, and inheritance mode, an automated score was calculated to assess if this variant is too frequent to cause the disease. Based on the score and internal cut-off values, a variant classified as benign is not then subjected to further curation. The score for this variant resulted in a classification of benign for this disease.

Illumina Laboratory Services, Illumina
Classification: Uncertain significance for Myosin storage myopathy. Last evaluated: 2018-01-13. Review status: criteria provided, single submitter. Criteria: ICSL Variant Classification Criteria 13 December 2019. Collection method: clinical testing. Allele origin: germline.

Illumina Laboratory Services, Illumina
Classification: Uncertain significance for Hypertrophic cardiomyopathy 1. Last evaluated: 2018-01-13. Review status: criteria provided, single submitter. Criteria: ICSL Variant Classification Criteria 13 December 2019. Collection method: clinical testing. Allele origin: germline.

GeneDx
Classification: Likely benign. Last evaluated: 2016-09-12. Review status: criteria provided, single submitter. Criteria: GeneDx Variant Classification (06012015). Collection method: clinical testing. Allele origin: germline. Affected: yes.
Comment: This variant is considered likely benign or benign based on one or more of the following criteria: it is a conservative change, it occurs at a poorly conserved position in the protein, it is predicted to be benign by multiple in silico algorithms, and/or has population frequency not consistent with disease.

NM_000257.4(MYH7):c.4410G>A (p.Ser1470=)

Genes: MHRT (myosin heavy chain associated RNA transcript; plus strand), MYH7 (myosin heavy chain 7; minus strand). Cytogenetic location: 14q11.2.
Variant type: single nucleotide variant.
Coding change: c.4410G>A on transcript NM_000257.4 (MANE Select); coding-DNA position 4410, G replaced by A.
Protein change: p.Ser1470=; no amino-acid change (serine 1470 retained).
Molecular consequence: synonymous variant. On other transcripts: non-coding transcript variant (1).
Genome position (GRCh38, 1-based): chr14:23,417,262, C>T on the plus strand (G>A on the coding strand, the complement: MYH7 is on the minus strand). VCF-style: chr14-23417262-C-T. GRCh37 (hg19) VCF-style: chr14-23886471-C-T.
Other names: c.4410G>A (LRG_384t1).
Identifiers: ClinVar variation 312896 (VCV000312896.62), dbSNP rs578166720, ClinGen allele CA042203.